The following is an entry in ClinVar:

NM_015631.6(TCTN3):c.1189G>A (p.Asp397Asn)

Gene: TCTN3 (tectonic family member 3; minus strand). Cytogenetic location: 10q24.1.
Variant type: single nucleotide variant.
Coding change: c.1189G>A on transcript NM_015631.6 (MANE Select); coding-DNA position 1189, G replaced by A.
Protein change: p.Asp397Asn; replaces aspartic acid 397 with asparagine.
Molecular consequence: missense variant.
Genome position (GRCh38, 1-based): chr10:95,683,536, C>T on the plus strand (G>A on the coding strand, the complement: TCTN3 is on the minus strand). VCF-style: chr10-95683536-C-T. GRCh37 (hg19) VCF-style: chr10-97443293-C-T.
Other names: c.1243G>A, p.Asp415Asn (NM_001013840.1); c.745G>A, p.Asp249Asn (NM_001143973.2); c.1108G>A, p.Asp370Asn (NM_001410982.1); short protein forms D415N, D370N, D397N, D249N.
Identifiers: ClinVar variation 1960209 (VCV001960209.5), dbSNP rs1239502080, ClinGen allele CA377704428.

ClinVar aggregate classification (germline): Uncertain significance (1 of 4 stars; one submission).

Conditions:
Joubert syndrome 18 (JBTS18). Identifiers: Orphanet 2754, MedGen C3553758, MONDO:0013896, OMIM 614815.
Orofacial-digital syndrome IV (OFD4). Also called: Orofaciodigital syndrome IV; BARAITSER-BURN SYNDROME; OFD SYNDROME WITH TIBIAL DEFECTS; OFD SYNDROME, BARAITSER-BURN TYPE; OFDS IV; ORAL-FACIAL-DIGITAL SYNDROME, TYPE IV. Identifiers: Orphanet 2753, MedGen C0406727, MONDO:0009794, OMIM 258860.

gnomAD v4.1: 2 of 1,614,194 alleles (0.00012%); highest among the groups gnomAD compares: Admixed American, 0.0017%; no homozygotes.

Submission:

Labcorp Genetics (formerly Invitae), Labcorp
Classification: Uncertain significance for Joubert syndrome 18; Orofacial-digital syndrome IV. Last evaluated: 2024-02-23. Review status: criteria provided, single submitter. Criteria: Invitae Variant Classification Sherloc (09022015). Collection method: clinical testing. Allele origin: germline.
Comment: This sequence change replaces aspartic acid, which is acidic and polar, with asparagine, which is neutral and polar, at codon 397 of the TCTN3 protein (p.Asp397Asn). This variant is present in population databases (no rsID available, gnomAD 0.003%). This variant has not been reported in the literature in individuals affected with TCTN3-related conditions. ClinVar contains an entry for this variant (Variation ID: 1960209). Advanced modeling of protein sequence and biophysical properties (such as structural, functional, and spatial information, amino acid conservation, physicochemical variation, residue mobility, and thermodynamic stability) performed at Invitae indicates that this missense variant is not expected to disrupt TCTN3 protein function with a negative predictive value of 80%. In summary, the available evidence is currently insufficient to determine the role of this variant in disease. Therefore, it has been classified as a Variant of Uncertain Significance.